The following is an entry in ClinVar:

NM_003970.4(MYOM2):c.3648T>G (p.Ala1216=)

Gene: MYOM2 (myomesin 2; plus strand). Cytogenetic location: 8p23.3.
Variant type: single nucleotide variant.
Coding change: c.3648T>G on transcript NM_003970.4 (MANE Select); coding-DNA position 3648, T replaced by G.
Protein change: p.Ala1216=; no amino-acid change (alanine 1216 retained).
Molecular consequence: synonymous variant.
Genome position (GRCh38, 1-based): chr8:2,123,635, T>G. VCF-style: chr8-2123635-T-G. GRCh37 (hg19) VCF-style: chr8-2071508-T-G.
Identifiers: ClinVar variation 3037726 (VCV003037726.2), dbSNP rs147916699, ClinGen allele CA170462698.

ClinVar aggregate classification (germline): Benign (0 of 4 stars; one submission).

Conditions:
MYOM2-related disorder. Also called: MYOM2-related condition.

Allele frequency attached by ClinVar (database versions not stated): TOPMed 0.00405; gnomAD 0.00456; 1000 Genomes Project 0.00499; 1000 Genomes Project 30x 0.00578; ExAC 0.00732; ESP Exome Variant Server 0.00354.
gnomAD v4.1: 9,824 of 1,613,986 alleles (0.61%); highest among the groups gnomAD compares: South Asian, 2.4%; 104 homozygotes.

Submission:

PreventionGenetics, part of Exact Sciences
Classification: Benign for MYOM2-related condition. Last evaluated: 2019-03-25. Review status: no assertion criteria provided. Collection method: clinical testing. Allele origin: germline.
Comment: This variant is classified as benign based on ACMG/AMP sequence variant interpretation guidelines (Richards et al. 2015 PMID: 25741868, with internal and published modifications).